The following is an entry in ClinVar:

ClinVar aggregate classification (germline): Conflicting classifications of pathogenicity. Review status: criteria provided, conflicting classifications (1 of 4 stars). 2 submissions from 2 submitters: Uncertain significance (1); Likely benign (1). Last evaluated 2024-10-19.

Allele frequency attached by ClinVar (database versions not stated): gnomAD exomes 0.00003 and 0.00010; gnomAD 0.00007 and 0.00008; TOPMed 0.00008.
gnomAD v4.1: 151 of 1,533,586 alleles (0.0098%); highest among the groups gnomAD compares: Non-Finnish European, 0.013%; no homozygotes.

Submissions (2):

Labcorp Genetics (formerly Invitae), Labcorp
Classification: Uncertain significance. Last evaluated: 2024-10-19. Review status: criteria provided, single submitter. Criteria: Invitae Variant Classification Sherloc (09022015). Collection method: clinical testing. Allele origin: germline.
Comment: This sequence change falls in intron 2 of the DTHD1 gene. It does not directly change the encoded amino acid sequence of the DTHD1 protein. It affects a nucleotide within the consensus splice site. The frequency data for this variant in the population databases is considered unreliable, as metrics indicate poor data quality at this position in the gnomAD database. This variant has not been reported in the literature in individuals affected with DTHD1-related conditions. ClinVar contains an entry for this variant (Variation ID: 1057216). Variants that disrupt the consensus splice site are a relatively common cause of aberrant splicing (PMID: 17576681, 9536098). Algorithms developed to predict the effect of sequence changes on RNA splicing suggest that this variant may disrupt the consensus splice site. In summary, the available evidence is currently insufficient to determine the role of this variant in disease. Therefore, it has been classified as a Variant of Uncertain Significance.

Blueprint Genetics
Classification: Likely benign. Last evaluated: 2024-08-15. Review status: criteria provided, single submitter. Criteria: ACMG Guidelines, 2015. Collection method: clinical testing. Allele origin: germline.

Literature cited by the submitters: PubMed 17576681 (cited by Labcorp Genetics (formerly Invitae), Labcorp); PubMed 9536098 (cited by Labcorp Genetics (formerly Invitae), Labcorp).

NM_001170700.3(DTHD1):c.1219-3C>T

Gene: DTHD1 (death domain containing 1; plus strand). Cytogenetic location: 4p14.
Variant type: single nucleotide variant.
Coding change: c.1219-3C>T on transcript NM_001170700.3 (MANE Select); 3 bases into the intron before coding-DNA position 1219, C replaced by T.
Molecular consequence: intron variant.
Genome position (GRCh38, 1-based): chr4:36,293,523, C>T. VCF-style: chr4-36293523-C-T. GRCh37 (hg19) VCF-style: chr4-36295145-C-T.
Other names: c.349-3C>T (NM_001136536.5); c.349-66C>T (NM_001378435.1).
Identifiers: ClinVar variation 1057216 (VCV001057216.8), dbSNP rs753763262, ClinGen allele CA95770492.
Genomic context (GRCh38, chr4:36,293,523, plus strand): 5'-TATACAGCAAATATTTTTCAAATCAGTGCTATAGCTTATTTTAATGTTCTTTATTCTATA[C>T]AGGGGACCTGTGCTTCAGTAAAAGTTTACAAATTGGGTATCTTTTCTGTTGTGTCTTGTT-3'